The following is an entry in ClinVar:

NM_002474.3(MYH11):c.4792-7C>T

Genes: MYH11 (myosin heavy chain 11; minus strand), NDE1 (nudE neurodevelopment protein 1; plus strand). Cytogenetic location: 16p13.11.
Variant type: single nucleotide variant.
Coding change: c.4792-7C>T on transcript NM_002474.3 (MANE Select); 7 bases into the intron before coding-DNA position 4792, C replaced by T.
Molecular consequence: intron variant.
Genome position (GRCh38, 1-based): chr16:15,720,319, G>A on the plus strand (C>T on the coding strand, the complement: MYH11 is on the minus strand). VCF-style: chr16-15720319-G-A. GRCh37 (hg19) VCF-style: chr16-15814176-G-A.
Other names: c.948-3872G>A (NM_001143979.2, NM_017668.3); c.4792-7C>T (NM_022844.3); c.4813-7C>T (NM_001040114.2, NM_001040113.2).
Identifiers: ClinVar variation 534162 (VCV000534162.13), dbSNP rs375652279, ClinGen allele CA278598453.

ClinVar aggregate classification (germline): Conflicting classifications of pathogenicity. Review status: criteria provided, conflicting classifications (1 of 4 stars). 5 submissions from 5 submitters: Uncertain significance (1); Likely benign (4). Last evaluated 2024-03-02.

Conditions:
Aortic aneurysm, familial thoracic 4 (AAT4). Also called: AORTIC ANEURYSM/AORTIC DISSECTION AND PATENT DUCTUS ARTERIOSUS. Identifiers: MedGen C1851504, MONDO:0007568, OMIM 132900.
Familial thoracic aortic aneurysm and aortic dissection (TAAD). Also called: Thoracic aortic aneurysms and dissections. Identifiers: Orphanet 91387, MedGen C4707243, MONDO:0019625.

Allele frequency attached by ClinVar (database versions not stated): TOPMed 0.00001; gnomAD exomes 0.00002 and 0.00001; gnomAD 0.00001; ESP Exome Variant Server 0.00008.
gnomAD v4.1: 39 of 1,612,780 alleles (0.0024%); highest among the groups gnomAD compares: Middle Eastern, 0.016%; no homozygotes.

Submissions (5):

Labcorp Genetics (formerly Invitae), Labcorp
Classification: Likely benign for Aortic aneurysm, familial thoracic 4. Last evaluated: 2024-03-02. Review status: criteria provided, single submitter. Criteria: Invitae Variant Classification Sherloc (09022015). Collection method: clinical testing. Allele origin: germline.

All of Us Research Program, National Institutes of Health
Classification: Likely benign for Familial thoracic aortic aneurysm and aortic dissection. Last evaluated: 2023-11-20. Review status: criteria provided, single submitter. Criteria: ACMG Guidelines, 2015. Collection method: clinical testing. Allele origin: germline. Inheritance: Autosomal dominant inheritance. Observed: 8 variant alleles, 8 heterozygotes.
Comment: This study involves interpretation of variants in research participants for the purpose of population health screening. Participant phenotype was not available at the time of variant classification. Additional details can be found in publication PMID: 35346344, PMCID: PMC8962531

CHEO Genetics Diagnostic Laboratory, Children's Hospital of Eastern Ontario
Classification: Uncertain significance for Familial thoracic aortic aneurysm and aortic dissection. Last evaluated: 2023-04-03. Review status: criteria provided, single submitter. Criteria: ACMG Guidelines, 2015. Collection method: clinical testing. Allele origin: germline.

Blueprint Genetics
Classification: Likely benign. Last evaluated: 2022-04-27. Review status: criteria provided, single submitter. Criteria: ACMG Guidelines, 2015. Collection method: clinical testing. Allele origin: germline.

Color Diagnostics, LLC DBA Color Health
Classification: Likely benign for Familial thoracic aortic aneurysm and aortic dissection. Last evaluated: 2019-08-21. Review status: criteria provided, single submitter. Criteria: ACMG Guidelines, 2015. Collection method: clinical testing. Allele origin: germline.